The following is an entry in ClinVar:

ClinVar aggregate classification (germline): Uncertain significance (1 of 4 stars; one submission).

gnomAD v4.1: 1 of 1,581,194 alleles (0.000063%); no homozygotes.

Submission:

Labcorp Genetics (formerly Invitae), Labcorp
Classification: Uncertain significance. Last evaluated: 2025-12-21. Review status: criteria provided, single submitter. Criteria: Invitae Variant Classification Sherloc (09022015). Collection method: clinical testing. Allele origin: germline.
Comment: This sequence change falls in intron 4 of the GATA5 gene. It does not directly change the encoded amino acid sequence of the GATA5 protein. It affects a nucleotide within the consensus splice site. This variant is not present in population databases (gnomAD no frequency). This variant has not been reported in the literature in individuals affected with GATA5-related conditions. Variants that disrupt the consensus splice site are a relatively common cause of aberrant splicing (PMID: 17576681, 9536098). Algorithms developed to predict the effect of sequence changes on RNA splicing suggest that this variant is not likely to affect RNA splicing. In summary, the available evidence is currently insufficient to determine the role of this variant in disease. Therefore, it has been classified as a Variant of Uncertain Significance.

Literature cited by the submitters: PubMed 17576681; PubMed 9536098.

NM_080473.5(GATA5):c.825+5G>A

Gene: GATA5 (GATA binding protein 5; minus strand). Cytogenetic location: 20q13.33.
Variant type: single nucleotide variant.
Coding change: c.825+5G>A on transcript NM_080473.5 (MANE Select); 5 bases into the intron after coding-DNA position 825, G replaced by A.
Molecular consequence: intron variant.
Genome position (GRCh38, 1-based): chr20:62,466,421, C>T on the plus strand (G>A on the coding strand, the complement: GATA5 is on the minus strand). VCF-style: chr20-62466421-C-T. GRCh37 (hg19) VCF-style: chr20-61041477-C-T.
Identifiers: ClinVar variation 4733420 (VCV004733420.1).
Genomic context (GRCh38, chr20:62,466,421, plus strand): 5'-GCGGACGGCGCTCGCTAGGAGGCTGGACAGAGGCCTCCCCGCCCTGCCCCGGGGACCACA[C>T]TCACCCCGTGCAGCTTCATGTAGAGGCCGCAGGCATTGCACACGGGCTCCCCCTCCGAGT-3'